The following is an entry in ClinVar:

NM_001197104.2(KMT2A):c.10229C>T (p.Pro3410Leu)

Gene: KMT2A (lysine methyltransferase 2A; plus strand). Cytogenetic location: 11q23.3.
Variant type: single nucleotide variant.
Coding change: c.10229C>T on transcript NM_001197104.2 (MANE Select); coding-DNA position 10229, C replaced by T.
Protein change: p.Pro3410Leu; replaces proline 3410 with leucine.
Molecular consequence: missense variant.
Genome position (GRCh38, 1-based): chr11:118,506,121, C>T. VCF-style: chr11-118506121-C-T. GRCh37 (hg19) VCF-style: chr11-118376836-C-T.
Other names: c.10319C>T, p.Pro3440Leu (NM_001412597.1); c.10220C>T, p.Pro3407Leu (NM_005933.4); short protein forms P3440L, P3410L, P3407L.
Identifiers: ClinVar variation 3634355 (VCV003634355.2).

ClinVar aggregate classification (germline): Uncertain significance (1 of 4 stars; one submission).

Submission:

Labcorp Genetics (formerly Invitae), Labcorp
Classification: Uncertain significance. Last evaluated: 2025-04-17. Review status: criteria provided, single submitter. Criteria: Invitae Variant Classification Sherloc (09022015). Collection method: clinical testing. Allele origin: germline.
Comment: This sequence change replaces proline, which is neutral and non-polar, with leucine, which is neutral and non-polar, at codon 3410 of the KMT2A protein (p.Pro3410Leu). This variant is not present in population databases (gnomAD no frequency). This variant has not been reported in the literature in individuals affected with KMT2A-related conditions. ClinVar contains an entry for this variant (Variation ID: 3634355). Invitae Evidence Modeling of protein sequence and biophysical properties (such as structural, functional, and spatial information, amino acid conservation, physicochemical variation, residue mobility, and thermodynamic stability) indicates that this missense variant is not expected to disrupt KMT2A protein function with a negative predictive value of 95%. In summary, the available evidence is currently insufficient to determine the role of this variant in disease. Therefore, it has been classified as a Variant of Uncertain Significance.